The following is an entry in ClinVar:

ClinVar aggregate classification (germline): Pathogenic (1 of 4 stars; one submission).

Conditions:
Marfan syndrome (MFS). Also called: FBN1-Related Marfan Syndrome; MARFAN SYNDROME, TYPE I; Marfan syndrome type 1; Marfan's syndrome; Marfan syndrome, classic. Identifiers: Orphanet 284963, Orphanet 558, MedGen C0024796, MONDO:0007947, OMIM 154700.
Familial thoracic aortic aneurysm and aortic dissection (TAAD). Also called: Thoracic aortic aneurysms and dissections. Identifiers: Orphanet 91387, MedGen C4707243, MONDO:0019625.

Submission:

Labcorp Genetics (formerly Invitae), Labcorp
Classification: Pathogenic for Marfan syndrome; Familial thoracic aortic aneurysm and aortic dissection. Last evaluated: 2025-08-05. Review status: criteria provided, single submitter. Criteria: Invitae Variant Classification Sherloc (09022015). Collection method: clinical testing. Allele origin: germline.
Comment: This sequence change creates a premature translational stop signal (p.Thr241Argfs*89) in the FBN1 gene. It is expected to result in an absent or disrupted protein product. Loss-of-function variants in FBN1 are known to be pathogenic (PMID: 17657824, 19293843). This variant is not present in population databases (gnomAD no frequency). This variant has not been reported in the literature in individuals affected with FBN1-related conditions. For these reasons, this variant has been classified as Pathogenic.

Literature cited by the submitters: PubMed 17657824; PubMed 19293843.

NM_000138.5(FBN1):c.720del (p.Thr241fs)

Gene: FBN1 (fibrillin 1; minus strand). Cytogenetic location: 15q21.1.
Variant type: Deletion.
Coding change: c.720del on transcript NM_000138.5 (MANE Select); coding-DNA position 720, one base deleted (C; older notation c.720delC).
Protein change: p.Thr241fs; shifts the reading frame from threonine 241.
Molecular consequence: frameshift variant.
Genome position (GRCh38, 1-based): chr15:48,537,627, G deleted on the plus strand (C on the coding strand, the reverse complement: FBN1 is on the minus strand). VCF-style (leftmost placement, unchanged base first): chr15-48537626-TG-T. GRCh37 (hg19) VCF-style: chr15-48829823-TG-T.
Other names: c.720del, p.Thr241fs (NM_001406716.1, NM_001406717.1); short protein forms T241fs.
Identifiers: ClinVar variation 4789925 (VCV004789925.1).